The following is an entry in ClinVar:

ClinVar aggregate classification (germline): Uncertain significance (1 of 4 stars; one submission).

Conditions:
Hereditary spastic paraplegia 30. Identifiers: Orphanet 101010, MedGen C5235139, MONDO:0012476.
Neuropathy, hereditary sensory, type 2C. Also called: Hereditary sensory and autonomic neuropathy type IIC; KIF1A-Related HSAN2 (HSAN2C). Identifiers: Orphanet 970, MedGen C3280168, MONDO:0013634, OMIM 614213.
Intellectual disability, autosomal dominant 9 (NESCAVS). Also called: NESCAV SYNDROME; KIF1A-Related Neurodevelopmental Disorder. Identifiers: Orphanet 662367, MedGen C5393830, MONDO:0013656, OMIM 614255.

Allele frequency attached by ClinVar (database versions not stated): 1000 Genomes Project 30x 0.00031.
gnomAD v4.1: 4 of 1,604,984 alleles (0.00025%); highest among the groups gnomAD compares: African/African-American, 0.0054%; no homozygotes.

Submission:

Labcorp Genetics (formerly Invitae), Labcorp
Classification: Uncertain significance for Hereditary spastic paraplegia 30; Neuropathy, hereditary sensory, type 2C; Intellectual disability, autosomal dominant 9. Last evaluated: 2022-12-06. Review status: criteria provided, single submitter. Criteria: Invitae Variant Classification Sherloc (09022015). Collection method: clinical testing. Allele origin: germline.
Comment: In summary, the available evidence is currently insufficient to determine the role of this variant in disease. Therefore, it has been classified as a Variant of Uncertain Significance. Algorithms developed to predict the effect of sequence changes on RNA splicing suggest that this variant may create or strengthen a splice site. ClinVar contains an entry for this variant (Variation ID: 1369774). This variant has not been reported in the literature in individuals affected with KIF1A-related conditions. This variant is present in population databases (rs372521119, gnomAD 0.01%). This sequence change affects codon 764 of the KIF1A mRNA. It is a 'silent' change, meaning that it does not change the encoded amino acid sequence of the KIF1A protein.

NM_001244008.2(KIF1A):c.2319C>A (p.Pro773=)

Gene: KIF1A (kinesin family member 1A; minus strand). Cytogenetic location: 2q37.3.
Variant type: single nucleotide variant.
Coding change: c.2319C>A on transcript NM_001244008.2 (MANE Select); coding-DNA position 2319, C replaced by A.
Protein change: p.Pro773=; no amino-acid change (proline 773 retained).
Molecular consequence: synonymous variant.
Genome position (GRCh38, 1-based): chr2:240,760,790, G>T on the plus strand (C>A on the coding strand, the complement: KIF1A is on the minus strand). VCF-style: chr2-240760790-G-T. GRCh37 (hg19) VCF-style: chr2-241700207-G-T.
Other names: c.2319C>A, p.Pro773= (NM_001320705.2, NM_001330289.2, NM_001379638.1); c.2394C>A, p.Pro798= (NM_001330290.2, NM_001379631.1, NM_001379634.1 and 2 more transcripts); c.2292C>A, p.Pro764= (NM_001379632.1, NM_001379633.1, NM_001379636.1 and 10 more transcripts); c.2367C>A, p.Pro789= (NM_001379637.1, NM_001379648.1).
Identifiers: ClinVar variation 1369774 (VCV001369774.8), dbSNP rs372521119, ClinGen allele CA2208129.